The following is an entry in ClinVar:

NM_015338.6(ASXL1):c.1210C>T (p.Arg404Ter)

Gene: ASXL1 (ASXL transcriptional regulator 1; plus strand). Cytogenetic location: 20q11.21.
Variant type: single nucleotide variant.
Coding change: c.1210C>T on transcript NM_015338.6 (MANE Select); coding-DNA position 1210, C replaced by T.
Protein change: p.Arg404Ter; replaces arginine 404 with a stop codon.
Molecular consequence: nonsense.
Genome position (GRCh38, 1-based): chr20:32,433,408, C>T. VCF-style: chr20-32433408-C-T. GRCh37 (hg19) VCF-style: chr20-31021211-C-T.
Other names: c.1027C>T, p.Arg343Ter (NM_001363734.1); short protein forms R404*, R343*.
Identifiers: ClinVar variation 30986 (VCV000030986.13), dbSNP rs373145711, ClinGen allele CA129588.

ClinVar aggregate classification (germline): Pathogenic. Review status: criteria provided, multiple submitters, no conflicts (2 of 4 stars). 8 submissions from 6 submitters: Pathogenic (7). 1 of the submissions does not count toward it. Last evaluated 2024-04-01.

Conditions:
dystrophia.
Developmental delay. Also called: Delayed development. Identifiers: MedGen C0424605.
Myelodysplastic syndrome (MDS). Also called: Myelodysplastic syndrome, somatic; MYELODYSPLASTIC SYNDROME, SUSCEPTIBILITY TO; Myelodysplastic syndromes. Identifiers: Orphanet 52688, MedGen C3463824, MeSH D009190, MONDO:0018881, OMIM 614286.
Bohring-Opitz syndrome. Also called: ASXL1-Related Bohring-Opitz Syndrome; C-LIKE SYNDROME; BOHRING SYNDROME; OPITZ TRIGONOCEPHALY-LIKE SYNDROME. Identifiers: Orphanet 97297, MedGen C0796232, MONDO:0011510, OMIM 605039.
Feeding difficulties. Also called: Poor feeding. Identifiers: MedGen C0232466, HP:0011968.
Global developmental delay (DD). Also called: Cognitive delay. Identifiers: MedGen C0557874, HP:0001263. Disease mechanism: loss of function.
Small for gestational age. Also called: Low birth weight. Identifiers: MedGen C0235991, HP:0001518.
Abnormal corpus callosum morphology. Also called: Abnormality of the corpus callosum; Corpus callosum abnormalities. Identifiers: MedGen C1842581, HP:0001273.
Delayed speech and language development. Also called: Language delay. Identifiers: MedGen C0454644, HP:0000750.
Hypertrichosis. Also called: excessive hair growth. Identifiers: Orphanet 79365, MedGen C0020555, MONDO:0019280, HP:0000998.
Delayed gross motor development. Identifiers: MedGen C1837658, HP:0002194.
Glabellar hemangioma. Identifiers: MedGen C1854408, HP:0001076.
Prominent metopic ridge. Identifiers: MedGen C1857949, HP:0005487.
Severe intellectual disability. Identifiers: MedGen C0036857, HP:0010864.

Allele frequency attached by ClinVar (database versions not stated): ESP Exome Variant Server 0.00015; gnomAD 0.00003; ExAC 0.00006; gnomAD exomes 0.00002.

Submissions (8):

Daryl Scott Lab, Baylor College of Medicine
Classification: Pathogenic for Bohring-Opitz syndrome. Last evaluated: 2024-04-01. Review status: criteria provided, single submitter. Criteria: ACMG Guidelines, 2015. Collection method: clinical testing. Allele origin: de novo. Affected: yes. Observed: 1 heterozygote.
Comment: PVS1, PS2

Duke University Health System Sequencing Clinic, Duke University Health System
Classification: Pathogenic for Bohring-Opitz syndrome. Last evaluated: 2023-04-20. Review status: criteria provided, single submitter. Criteria: ACMG Guidelines, 2015. Collection method: research. Allele origin: de novo. Affected: yes.

GeneDx
Classification: Pathogenic. Last evaluated: 2022-03-02. Review status: criteria provided, single submitter. Criteria: GeneDx Variant Classification Process June 2021. Collection method: clinical testing. Allele origin: germline. Affected: yes.
Comment: Nonsense variant predicted to result in protein truncation or nonsense mediated decay in a gene for which loss-of-function is a known mechanism of disease; This variant is associated with the following publications: (PMID: 31974359, 25525159, 21706002, 28229513, 25590979, 34527642)

HudsonAlpha Institute for Biotechnology
Classification: Pathogenic for Bohring-Opitz syndrome. Last evaluated: 2019-04-05. Review status: criteria provided, single submitter. Criteria: ACMG Guidelines, 2015. Collection method: research. Allele origin: unknown. Affected: yes. Observed: 1 variant allele. Study: CSER-SouthSeq.
Comment: ACMG codes: PVS1, PSM4, PP4, PP5

Centre for Mendelian Genomics, University Medical Centre Ljubljana
Classification: Pathogenic for Myelodysplastic syndrome. Last evaluated: 2016-01-01. Review status: criteria provided, single submitter. Criteria: ACMG Guidelines, 2015. Collection method: clinical testing. Allele origin: unknown. Affected: yes.
Comment: This variant was classified as: Pathogenic.

Centre for Mendelian Genomics, University Medical Centre Ljubljana
Classification: Pathogenic for Developmental delay; dystrophia. Last evaluated: 2014-06-06. Review status: criteria provided, single submitter. Criteria: ACMG Guidelines, 2015. Collection method: clinical testing. Allele origin: unknown. Affected: yes.

Centre for Mendelian Genomics, University Medical Centre Ljubljana
Classification: Pathogenic for Abnormal corpus callosum morphology; Delayed gross motor development; Delayed speech and language development; Feeding difficulties; Glabellar hemangioma; Global developmental delay; Hypertrichosis; Severe intellectual disability; Prominent metopic ridge; Small for gestational age. Last evaluated: 2014-06-06. Review status: criteria provided, single submitter. Criteria: ACMG Guidelines, 2015. Collection method: clinical testing. Allele origin: unknown. Affected: yes.

OMIM
Classification: Pathogenic for BOHRING-OPITZ SYNDROME. Last evaluated: 2011-06-26. Review status: no assertion criteria provided. Collection method: literature only. Allele origin: germline. Not counted in ClinVar's aggregate classification.

Literature cited by the submitters: PubMed 21706002 (cited by OMIM).